The following is an entry in ClinVar:

ClinVar aggregate classification (germline): Benign/Likely benign. Review status: criteria provided, multiple submitters, no conflicts (2 of 4 stars). 5 submissions from 5 submitters: Benign (1); Likely benign (4). Last evaluated 2025-12-24.

Conditions:
Renal cell carcinoma. Identifiers: Orphanet 217071, MedGen C0007134, MeSH D002292, MONDO:0005086, HP:0005584.
Hereditary cancer-predisposing syndrome. Also called: Neoplastic Syndromes, Hereditary; Tumor predisposition; Hereditary Cancer Syndrome; Hereditary neoplastic syndrome. Identifiers: Orphanet 140162, MedGen C0027672, MeSH D009386, MONDO:0015356.
Papillary renal cell carcinoma type 1 (RCCP1). Also called: RENAL CELL CARCINOMA, PAPILLARY, 1, SOMATIC; Renal adenocarcinoma; Renal cell carcinoma 1; Renal cell carcinoma, somatic. Identifiers: Orphanet 47044, MedGen C1336839, OMIM 605074, HP:0011797.

Allele frequency attached by ClinVar (database versions not stated): ExAC 0.00001; gnomAD 0.00001; gnomAD exomes 0.00001; TOPMed 0.00002.
gnomAD v4.1: 9 of 1,614,016 alleles (0.00056%); highest among the groups gnomAD compares: Admixed American, 0.005%; no homozygotes.

Submissions (5):

Labcorp Genetics (formerly Invitae), Labcorp
Classification: Likely benign for Renal cell carcinoma. Last evaluated: 2025-12-24. Review status: criteria provided, single submitter. Criteria: Invitae Variant Classification Sherloc (09022015). Collection method: clinical testing. Allele origin: germline.

Center for Genomic Medicine, Rigshospitalet, Copenhagen University Hospital
Classification: Likely benign. Last evaluated: 2025-03-04. Review status: criteria provided, single submitter. Criteria: ACMG Guidelines, 2015. Collection method: clinical testing. Allele origin: germline.

Myriad Genetics, Inc.
Classification: Benign for Papillary renal cell carcinoma type 1. Last evaluated: 2024-11-07. Review status: criteria provided, single submitter. Criteria: Myriad Autosomal Dominant, Autosomal Recessive and X-Linked Classification Criteria (2023). Collection method: clinical testing. Allele origin: unknown.
Comment: This variant is considered benign. This variant is a silent/synonymous amino acid change and it is not expected to impact splicing.

Blueprint Genetics
Classification: Likely benign. Last evaluated: 2021-03-09. Review status: criteria provided, single submitter. Criteria: ACMG Guidelines, 2015. Collection method: clinical testing. Allele origin: germline.

Ambry Genetics
Classification: Likely benign for Hereditary cancer-predisposing syndrome. Last evaluated: 2021-02-05. Review status: criteria provided, single submitter. Criteria: Ambry Variant Classification Scheme 2023. Collection method: clinical testing. Allele origin: germline.

NM_000245.4(MET):c.1644G>A (p.Ser548=)

Gene: MET (MET proto-oncogene, receptor tyrosine kinase; plus strand). Cytogenetic location: 7q31.2.
Variant type: single nucleotide variant.
Coding change: c.1644G>A on transcript NM_000245.4 (MANE Select); coding-DNA position 1644, G replaced by A.
Protein change: p.Ser548=; no amino-acid change (serine 548 retained).
Molecular consequence: synonymous variant.
Genome position (GRCh38, 1-based): chr7:116,740,968, G>A. VCF-style: chr7-116740968-G-A. GRCh37 (hg19) VCF-style: chr7-116381022-G-A.
Other names: c.1644G>A, p.Ser548= (NM_001127500.3, NM_001324401.3); c.354G>A, p.Ser118= (NM_001324402.2).
Identifiers: ClinVar variation 216501 (VCV000216501.20), dbSNP rs750584257, ClinGen allele CA337693.